The following is an entry in ClinVar:

NM_018972.4(GDAP1):c.117+3A>G

Genes: GDAP1 (ganglioside induced differentiation associated protein 1; plus strand), LOC130000622 (ATAC-STARR-seq lymphoblastoid active region 27542; plus strand). Cytogenetic location: 8q21.11.
Variant type: single nucleotide variant.
Coding change: c.117+3A>G on transcript NM_018972.4 (MANE Select); 3 bases into the intron after coding-DNA position 117, A replaced by G.
Molecular consequence: intron variant.
Genome position (GRCh38, 1-based): chr8:74,350,581, A>G. VCF-style: chr8-74350581-A-G. GRCh37 (hg19) VCF-style: chr8-75262816-A-G.
Other names: c.117+3A>G (NM_001362931.2, NM_001362930.2); c.-66+3A>G (NM_001362929.2); c.-18+3A>G (NM_001362932.2); c.-64+109A>G (NM_001040875.4).
Identifiers: ClinVar variation 2020158 (VCV002020158.4), dbSNP rs2536723107, ClinGen allele CA2580078938.

ClinVar aggregate classification (germline): Uncertain significance (1 of 4 stars; one submission).

Conditions:
Charcot-Marie-Tooth disease type 4A. Also called: Charcot-Marie-Tooth disease, demyelinating, autosomal recessive, type 4a. Identifiers: Orphanet 99948, MedGen C1859198, MONDO:0008961, OMIM 214400.

gnomAD v4.1: 2 of 1,543,910 alleles (0.00013%); highest among the groups gnomAD compares: South Asian, 0.0011%; no homozygotes.

Submission:

Labcorp Genetics (formerly Invitae), Labcorp
Classification: Uncertain significance for Charcot-Marie-Tooth disease type 4A. Last evaluated: 2022-07-29. Review status: criteria provided, single submitter. Criteria: Invitae Variant Classification Sherloc (09022015). Collection method: clinical testing. Allele origin: germline.
Comment: This variant has not been reported in the literature in individuals affected with GDAP1-related conditions. Variants that disrupt the consensus splice site are a relatively common cause of aberrant splicing (PMID: 17576681, 9536098). Algorithms developed to predict the effect of sequence changes on RNA splicing suggest that this variant may create or strengthen a splice site. In summary, the available evidence is currently insufficient to determine the role of this variant in disease. Therefore, it has been classified as a Variant of Uncertain Significance. This variant is not present in population databases (gnomAD no frequency). This sequence change falls in intron 1 of the GDAP1 gene. It does not directly change the encoded amino acid sequence of the GDAP1 protein. It affects a nucleotide within the consensus splice site.

Literature cited by the submitters: PubMed 17576681; PubMed 9536098.